The following is an entry in ClinVar:

NM_001378454.1(ALMS1):c.4001A>C (p.Tyr1334Ser)

Gene: ALMS1 (ALMS1 centrosome and basal body associated protein; plus strand). Cytogenetic location: 2p13.1.
Variant type: single nucleotide variant.
Coding change: c.4001A>C on transcript NM_001378454.1 (MANE Select); coding-DNA position 4001, A replaced by C.
Protein change: p.Tyr1334Ser; replaces tyrosine 1334 with serine.
Molecular consequence: missense variant.
Genome position (GRCh38, 1-based): chr2:73,450,528, A>C. VCF-style: chr2-73450528-A-C. GRCh37 (hg19) VCF-style: chr2-73677655-A-C.
Other names: c.4004A>C, p.Tyr1335Ser (NM_015120.4); short protein forms Y1334S, Y1335S.
Identifiers: ClinVar variation 3226610 (VCV003226610.1), dbSNP rs2466100153, ClinGen allele CA347277250.

ClinVar aggregate classification (germline): Uncertain significance (1 of 4 stars; one submission).

Conditions:
Cardiovascular phenotype. Identifiers: MedGen CN230736.

Submission:

Ambry Genetics
Classification: Uncertain significance for Cardiovascular phenotype. Last evaluated: 2024-02-06. Review status: criteria provided, single submitter. Criteria: Ambry Variant Classification Scheme 2023. Collection method: clinical testing. Allele origin: germline.
Comment: The p.Y1335S variant (also known as c.4004A>C), located in coding exon 8 of the ALMS1 gene, results from an A to C substitution at nucleotide position 4004. The tyrosine at codon 1335 is replaced by serine, an amino acid with dissimilar properties. This amino acid position is well conserved in available vertebrate species. In addition, this alteration is predicted to be tolerated by in silico analysis. Based on the available evidence, the clinical significance of this alteration remains unclear.